The following is an entry in ClinVar:

NM_005585.5(SMAD6):c.278T>C (p.Met93Thr)

Gene: SMAD6 (SMAD family member 6; plus strand). Cytogenetic location: 15q22.31.
Variant type: single nucleotide variant.
Coding change: c.278T>C on transcript NM_005585.5 (MANE Select); coding-DNA position 278, T replaced by C.
Protein change: p.Met93Thr; replaces methionine 93 with threonine.
Molecular consequence: missense variant. On other transcripts: non-coding transcript variant (1).
Genome position (GRCh38, 1-based): chr15:66,703,536, T>C. VCF-style: chr15-66703536-T-C. GRCh37 (hg19) VCF-style: chr15-66995874-T-C.
Other names: short protein forms M93T.
Identifiers: ClinVar variation 405514 (VCV000405514.11), dbSNP rs985309653, ClinGen allele CA16614871.
Genomic context (GRCh38, chr15:66,703,536, plus strand): 5'-GACAGCGAGGCGCCCAGGGCGCGGGGAGGCGCCGGCGCGCAGGGGGCCCCCCGAGGCCCA[T>C]GTCGGAGCCAGGGGCCGGCGCTGGGAGCTCCCTGCTGGACGTGGCGGAGCCGGGAGGCCC-3'
Protein context (NP_005576.3, residues 83-103): RRRAGGPPRP[Met93Thr]SEPGAGAGSS

ClinVar aggregate classification (germline): Uncertain significance. Review status: criteria provided, multiple submitters, no conflicts (2 of 4 stars). 3 submissions from 3 submitters: Uncertain significance (3). Last evaluated 2025-01-15.

Conditions:
Aortic valve disease 2 (AOVD2). Identifiers: MedGen C3542024, MONDO:0013902, OMIM 614823.
Inborn genetic diseases. Identifiers: MedGen C0950123, MeSH D030342.

Allele frequency attached by ClinVar (database versions not stated): TOPMed 0.00003; gnomAD exomes 0.00004; gnomAD 0.00005 and 0.00006.
gnomAD v4.1: 50 of 1,221,034 alleles (0.0041%); highest among the groups gnomAD compares: Non-Finnish European, 0.0048%; no homozygotes.

Submissions (3):

Labcorp Genetics (formerly Invitae), Labcorp
Classification: Uncertain significance for Aortic valve disease 2. Last evaluated: 2025-01-15. Review status: criteria provided, single submitter. Criteria: Invitae Variant Classification Sherloc (09022015). Collection method: clinical testing. Allele origin: germline.
Comment: This sequence change replaces methionine, which is neutral and non-polar, with threonine, which is neutral and polar, at codon 93 of the SMAD6 protein (p.Met93Thr). This variant is present in population databases (no rsID available, gnomAD 0.007%). This variant has not been reported in the literature in individuals affected with SMAD6-related conditions. ClinVar contains an entry for this variant (Variation ID: 405514). An algorithm developed to predict the effect of missense changes on protein structure and function (PolyPhen-2) suggests that this variant¬†is likely to be tolerated. In summary, the available evidence is currently insufficient to determine the role of this variant in disease. Therefore, it has been classified as a Variant of Uncertain Significance.

Ambry Genetics
Classification: Uncertain significance for Inborn genetic diseases. Last evaluated: 2023-07-31. Review status: criteria provided, single submitter. Criteria: Ambry Variant Classification Scheme 2023. Collection method: clinical testing. Allele origin: germline.
Comment: The p.M93T variant (also known as c.278T>C), located in coding exon 1 of the SMAD6 gene, results from a T to C substitution at nucleotide position 278. The methionine at codon 93 is replaced by threonine, an amino acid with similar properties. This amino acid position is conserved. In addition, this alteration is predicted to be tolerated by in silico analysis. Since supporting evidence is limited at this time, the clinical significance of this alteration remains unclear.

GeneDx
Classification: Uncertain significance. Last evaluated: 2020-06-29. Review status: criteria provided, single submitter. Criteria: GeneDx Variant Classification Process June 2021. Collection method: clinical testing. Allele origin: germline. Affected: yes.
Comment: Not observed at a significant frequency in large population cohorts (Lek et al., 2016); In silico analysis supports that this missense variant does not alter protein structure/function; Has not been previously published as pathogenic or benign to our knowledge